The following is an entry in ClinVar:

NM_004006.3(DMD):c.1374A>G (p.Lys458=)

Gene: DMD (dystrophin; minus strand). Cytogenetic location: Xp21.1.
Variant type: single nucleotide variant.
Coding change: c.1374A>G on transcript NM_004006.3 (MANE Select); coding-DNA position 1374, A replaced by G.
Protein change: p.Lys458=; no amino-acid change (lysine 458 retained).
Molecular consequence: synonymous variant.
Genome position (GRCh38, 1-based): chrX:32,614,411, T>C on the plus strand (A>G on the coding strand, the complement: DMD is on the minus strand). VCF-style: chrX-32614411-T-C. GRCh37 (hg19) VCF-style: chrX-32632528-T-C.
Other names: c.1350A>G, p.Lys450= (NM_000109.4); c.1362A>G, p.Lys454= (NM_004009.3); c.1005A>G, p.Lys335= (NM_004010.3).
Identifiers: ClinVar variation 380751 (VCV000380751.6), dbSNP rs1057520902, ClinGen allele CA16608454.
Genomic context (GRCh38, chrX:32,614,411, plus strand): 5'-AGGCTCTTCCTCCATTTTCCTTGTTCTTTCTTCTGTTTTTGTTAGCCAGTCATTCAACTC[T>C]TTCAGTTTCTGATTCTGGAGATCCATTAAAACTCTATGTAAACTGAAAATTTGAAAGAAG-3'
Protein context (NP_003997.2, residues 448-468): VLMDLQNQKL[Lys458=]ELNDWLTKTE

ClinVar aggregate classification (germline): Likely benign. Review status: criteria provided, multiple submitters, no conflicts (2 of 4 stars). 2 submissions from 2 submitters: Likely benign (2). Last evaluated 2023-07-07.

Conditions:
Duchenne muscular dystrophy (DMD). Also called: MUSCULAR DYSTROPHY, PSEUDOHYPERTROPHIC PROGRESSIVE, DUCHENNE TYPE; Duchenne Muscular Dystrophy (DMD). Identifiers: Orphanet 98896, MedGen C0013264, MONDO:0010679, OMIM 310200.

Submissions (2):

Labcorp Genetics (formerly Invitae), Labcorp
Classification: Likely benign for Duchenne muscular dystrophy. Last evaluated: 2023-07-07. Review status: criteria provided, single submitter. Criteria: Invitae Variant Classification Sherloc (09022015). Collection method: clinical testing. Allele origin: germline.

GeneDx
Classification: Likely benign. Last evaluated: 2015-10-23. Review status: criteria provided, single submitter. Criteria: GeneDx Variant Classification (06012015). Collection method: clinical testing. Allele origin: germline. Affected: yes.
Comment: This variant is considered likely benign or benign based on one or more of the following criteria: it is a conservative change, it occurs at a poorly conserved position in the protein, it is predicted to be benign by multiple in silico algorithms, and/or has population frequency not consistent with disease.